The following is an entry in ClinVar:

NM_002230.4(JUP):c.1927A>T (p.Thr643Ser)

Gene: JUP (junction plakoglobin; minus strand). Cytogenetic location: 17q21.2.
Variant type: single nucleotide variant.
Coding change: c.1927A>T on transcript NM_002230.4 (MANE Select); coding-DNA position 1927, A replaced by T.
Protein change: p.Thr643Ser; replaces threonine 643 with serine.
Molecular consequence: missense variant.
Genome position (GRCh38, 1-based): chr17:41,757,534, T>A on the plus strand (A>T on the coding strand, the complement: JUP is on the minus strand). VCF-style: chr17-41757534-T-A. GRCh37 (hg19) VCF-style: chr17-39913786-T-A.
Other names: c.1927A>T, p.Thr643Ser (NM_001352773.2, NM_001352774.2, NM_001352775.2 and 3 more transcripts); short protein forms T643S.
Identifiers: ClinVar variation 1512662 (VCV001512662.6), dbSNP rs2143420466, ClinGen allele CA399492012.

ClinVar aggregate classification (germline): Uncertain significance (1 of 4 stars; one submission).

Conditions:
Arrhythmogenic right ventricular dysplasia 12. Also called: ARRHYTHMOGENIC RIGHT VENTRICULAR DYSPLASIA, FAMILIAL, 12. Identifiers: MedGen C1969081, MONDO:0012684, OMIM 611528.
Naxos disease (NXD). Also called: KERATOSIS PALMOPLANTARIS WITH ARRHYTHMOGENIC CARDIOMYOPATHY; CARDIOMYOPATHY, ARRHYTHMOGENIC RIGHT VENTRICULAR, WITH SKIN, HAIR, AND NAIL ABNORMALITIES; PALMOPLANTAR KERATODERMA WITH ARRHYTHMOGENIC RIGHT VENTRICULAR CARDIOMYOPATHY AND WOOLLY HAIR; WOOLLY HAIR, PALMOPLANTAR KERATODERMA, AND CARDIAC ABNORMALITIES; MAL DE NAXOS. Identifiers: Orphanet 34217, MedGen C1832600, MONDO:0011017, OMIM 601214.

Submission:

Labcorp Genetics (formerly Invitae), Labcorp
Classification: Uncertain significance for Arrhythmogenic right ventricular dysplasia 12; Naxos disease. Last evaluated: 2022-11-07. Review status: criteria provided, single submitter. Criteria: Invitae Variant Classification Sherloc (09022015). Collection method: clinical testing. Allele origin: germline.
Comment: This variant has not been reported in the literature in individuals affected with JUP-related conditions. This variant is not present in population databases (gnomAD no frequency). This sequence change replaces threonine, which is neutral and polar, with serine, which is neutral and polar, at codon 643 of the JUP protein (p.Thr643Ser). ClinVar contains an entry for this variant (Variation ID: 1512662). In summary, the available evidence is currently insufficient to determine the role of this variant in disease. Therefore, it has been classified as a Variant of Uncertain Significance. Algorithms developed to predict the effect of missense changes on protein structure and function (SIFT, PolyPhen-2, Align-GVGD) all suggest that this variant is likely to be tolerated.